The following is an entry in ClinVar:

ClinVar aggregate classification (germline): Likely benign. Review status: criteria provided, multiple submitters, no conflicts (2 of 4 stars). 4 submissions from 4 submitters: Likely benign (4). Last evaluated 2025-11-09.

Conditions:
Hereditary cancer-predisposing syndrome. Also called: Tumor predisposition; Hereditary Cancer Syndrome; Hereditary neoplastic syndrome; Neoplastic Syndromes, Hereditary. Identifiers: Orphanet 140162, MedGen C0027672, MeSH D009386, MONDO:0015356.
Hereditary breast ovarian cancer syndrome. Also called: Breast and ovarian cancer; Hereditary breast and/or ovarian cancer syndrome; BRCA1- and BRCA2-Associated Hereditary Breast and Ovarian Cancer; Hereditary breast and ovarian cancer syndrome; Hereditary breast and ovarian cancer syndrome (HBOC); Hereditary breast and ovarian cancer. Identifiers: Orphanet 145, MedGen C0677776, MeSH D061325, MONDO:0003582. Disease mechanism: loss of function.

Allele frequency attached by ClinVar (database versions not stated): gnomAD exomes below 0.00001; TOPMed 0.00001.
gnomAD v4.1: 1 of 1,610,600 alleles (0.000062%); highest among the groups gnomAD compares: African/African-American, 0.0013%; no homozygotes.

Submissions (5):

Labcorp Genetics (formerly Invitae), Labcorp
Classification: Likely benign for Hereditary breast ovarian cancer syndrome. Last evaluated: 2025-11-09. Review status: criteria provided, single submitter. Criteria: Invitae Variant Classification Sherloc (09022015). Collection method: clinical testing. Allele origin: germline.

Ambry Genetics
Classification: Likely benign for Hereditary cancer-predisposing syndrome. Last evaluated: 2023-04-14. Review status: criteria provided, single submitter. Criteria: Ambry Variant Classification Scheme 2023. Collection method: clinical testing. Allele origin: germline.

Color Diagnostics, LLC DBA Color Health
Classification: Likely benign for Hereditary cancer-predisposing syndrome. Last evaluated: 2022-04-29. Review status: criteria provided, single submitter. Criteria: ACMG Guidelines, 2015. Collection method: clinical testing. Allele origin: germline.

GeneDx
Classification: Likely benign. Last evaluated: 2017-07-10. Review status: criteria provided, single submitter. Criteria: GeneDx Variant Classification (06012015). Collection method: clinical testing. Allele origin: germline. Affected: yes.
Comment: This variant is considered likely benign or benign based on one or more of the following criteria: it is a conservative change, it occurs at a poorly conserved position in the protein, it is predicted to be benign by multiple in silico algorithms, and/or has population frequency not consistent with disease.

Brotman Baty Institute, University of Washington
No classification provided (evidence only). Condition: Breast-ovarian cancer, familial 1. Review status: no classification provided. Collection method: in vitro. Allele origin: not applicable. Functional consequence: functionally_normal. Not counted in ClinVar's aggregate classification.
ClinVar note: "not provided" was previously submitted as the classification for the variant. However, the classification appeared to be based only on an observation of functional data so it was converted to no classification on 2025-07-30.

Literature cited by the submitters: PubMed 30209399 (cited by Ambry Genetics).

NM_007294.4(BRCA1):c.5153-5T>C

Gene: BRCA1 (BRCA1 DNA repair associated; minus strand). Cytogenetic location: 17q21.31.
Variant type: single nucleotide variant.
Coding change: c.5153-5T>C on transcript NM_007294.4 (MANE Select); 5 bases into the intron before coding-DNA position 5153, T replaced by C.
Molecular consequence: intron variant.
Genome position (GRCh38, 1-based): chr17:43,063,378, A>G on the plus strand (T>C on the coding strand, the complement: BRCA1 is on the minus strand). VCF-style: chr17-43063378-A-G. GRCh37 (hg19) VCF-style: chr17-41215395-A-G.
Other names: c.1700-5T>C (NM_001408458.1, NM_001408461.1, NM_001408464.1 and 7 more transcripts); c.4262-5T>C (NM_001407967.1); c.4772-5T>C (NM_001407959.1); c.4886-5T>C (NM_001407931.1, NM_001407932.1, NM_001407928.1 and 4 more transcripts); c.5009-5T>C (NM_001407747.1, NM_001407745.1, NM_001407737.1 and 21 more transcripts); c.4769-5T>C (NM_001407962.1, NM_001407960.1); c.1340-5T>C (NM_001408512.1); c.1463-5T>C (NM_001408510.1); and 72 more.
Identifiers: ClinVar variation 517713 (VCV000517713.17), dbSNP rs1218652386, ClinGen allele CA658798069.